The following is an entry in ClinVar:

ClinVar aggregate classification (germline): Uncertain significance (1 of 4 stars; one submission).

Conditions:
Cardiovascular phenotype. Identifiers: MedGen CN230736.

Allele frequency attached by ClinVar (database versions not stated): gnomAD exomes below 0.00001.
gnomAD v4.1: 1 of 1,311,286 alleles (0.000076%); highest among the groups gnomAD compares: South Asian, 0.0012%; no homozygotes.

Submissions (2):

Ambry Genetics
Classification: Uncertain significance for Cardiovascular phenotype. Last evaluated: 2023-12-20. Review status: criteria provided, single submitter. Criteria: Ambry Variant Classification Scheme 2023. Collection method: clinical testing. Allele origin: germline.
Comment: The p.A114S variant (also known as c.340G>T), located in coding exon 1 of the KCNE1 gene, results from a G to T substitution at nucleotide position 340. The alanine at codon 114 is replaced by serine, an amino acid with similar properties. This amino acid position is conserved. In addition, this alteration is predicted to be tolerated by in silico analysis. Since supporting evidence is limited at this time, the clinical significance of this alteration remains unclear.

Roden Lab, Vanderbilt University Medical Center
No classification provided (evidence only). Condition: Long QT syndrome 5. Review status: no classification provided. Collection method: in vitro. Allele origin: not applicable. Functional consequence: Effect on ion channel function. Not counted in ClinVar's aggregate classification.
ClinVar note: "not provided" was previously submitted as the classification for the variant. However, the classification appeared to be based only on an observation of functional data so it was converted to no classification on 2025-07-30.

NM_000219.6(KCNE1):c.340G>T (p.Ala114Ser)

Gene: KCNE1 (potassium voltage-gated channel subfamily E regulatory subunit 1; minus strand). Cytogenetic location: 21q22.12.
Variant type: single nucleotide variant.
Coding change: c.340G>T on transcript NM_000219.6 (MANE Select); coding-DNA position 340, G replaced by T.
Protein change: p.Ala114Ser; replaces alanine 114 with serine.
Molecular consequence: missense variant.
Genome position (GRCh38, 1-based): chr21:34,449,295, C>A on the plus strand (G>T on the coding strand, the complement: KCNE1 is on the minus strand). VCF-style: chr21-34449295-C-A. GRCh37 (hg19) VCF-style: chr21-35821593-C-A.
Other names: c.340G>T, p.Ala114Ser (NM_001127668.4, NM_001127669.4, NM_001127670.4 and 4 more transcripts); short protein forms A114S.
Identifiers: ClinVar variation 3230644 (VCV003230644.3), dbSNP rs754020878, ClinGen allele CA320425117.